The following is an entry in ClinVar:

ClinVar aggregate classification (germline): Pathogenic (1 of 4 stars; one submission).

Conditions:
DICER1-related tumor predisposition. Also called: DICER1 syndrome; DICER1-related pleuropulmonary blastoma cancer predisposition syndrome. Identifiers: Orphanet 284343, MedGen C3839822, MONDO:0100216.

Submission:

Labcorp Genetics (formerly Invitae), Labcorp
Classification: Pathogenic for DICER1-related tumor predisposition. Last evaluated: 2019-08-07. Review status: criteria provided, single submitter. Criteria: Invitae Variant Classification Sherloc (09022015). Collection method: clinical testing. Allele origin: unknown.
Comment: For these reasons, this variant has been classified as Pathogenic. Loss-of-function variants in DICER1 are known to be pathogenic (PMID: 19556464, 21266384). This variant disrupts the DUF283 domain of the DICER1 protein, which interacts with the ADAR1 protein and which may be involved in the recruitment and processing of dsRNA substrates (PMID: 22187960, 23622242, 29706542). While functional studies have not been performed to directly test the effect of this variant on DICER1 protein function, this suggests that disruption of this region of the protein is causative of disease. This variant has not been reported in the literature in individuals with DICER1-related conditions. This sequence change is a complex rearrangement involving deletion of the genomic region encompassing exons 12-14 and part of exon 11 and replacement with a large insertion, part of which is duplicated from intron 21. This is expected to result in an absent or disrupted protein product.

Literature cited by the submitters: PubMed 19556464; PubMed 21266384; PubMed 22187960; PubMed 23622242; PubMed 29706542.

NC_000014.8:g.(?_95575055)_(95582044_?)del

Gene: DICER1 (dicer 1, ribonuclease III; minus strand). Cytogenetic location: 14q32.13.
Variant type: Deletion.
Identifiers: ClinVar variation 3244048 (VCV003244048.1).